The following is an entry in ClinVar:

NM_031844.3(HNRNPU):c.1028A>G (p.Lys343Arg)

Gene: HNRNPU (heterogeneous nuclear ribonucleoprotein U; minus strand). Cytogenetic location: 1q44.
Variant type: single nucleotide variant.
Coding change: c.1028A>G on transcript NM_031844.3 (MANE Select); coding-DNA position 1028, A replaced by G.
Protein change: p.Lys343Arg; replaces lysine 343 with arginine.
Molecular consequence: missense variant.
Genome position (GRCh38, 1-based): chr1:244,859,364, T>C on the plus strand (A>G on the coding strand, the complement: HNRNPU is on the minus strand). VCF-style: chr1-244859364-T-C. GRCh37 (hg19) VCF-style: chr1-245022666-T-C.
Other names: c.971A>G, p.Lys324Arg (NM_004501.3); short protein forms K324R, K343R.
Identifiers: ClinVar variation 1805887 (VCV001805887.2), dbSNP rs2527882286, ClinGen allele CA345493421.

ClinVar aggregate classification (germline): Uncertain significance (1 of 4 stars; one submission).

Conditions:
Developmental and epileptic encephalopathy, 54. Also called: HNRNPU-Related Neurodevelopmental Disorder; Epileptic encephalopathy, early infantile, 54. Identifiers: MedGen C4479319, MONDO:0033363, OMIM 617391.

Allele frequency attached by ClinVar (database versions not stated): gnomAD exomes 0.00001.
gnomAD v4.1: 7 of 1,531,112 alleles (0.00046%); highest among the groups gnomAD compares: East Asian, 0.0022%; no homozygotes.

Submission:

Victorian Clinical Genetics Services, Murdoch Childrens Research Institute
Classification: Uncertain significance for Developmental and epileptic encephalopathy, 54. Last evaluated: 2023-07-16. Review status: criteria provided, single submitter. Criteria: ACMG Guidelines, 2015. Collection method: clinical testing. Allele origin: germline. Inheritance: Autosomal dominant inheritance. Affected: yes.
Comment: Based on the classification scheme VCGS_Germline_v1.3.4, this variant is classified as VUS-3C. Following criteria are met: 0102 - Loss of function is a known mechanism of disease in this gene and is associated with developmental and epileptic encephalopathy 54 (MIM#617391). The mechanism for missense variants its unclear. (I) 0107 - This gene is associated with autosomal dominant disease. (I) 0200 - Variant is predicted to result in a missense amino acid change from lysine to arginine. (I) 0251 - This variant is heterozygous. (I) 0301 - Variant is absent from gnomAD (both v2 and v3). (SP) 0502 - Missense variant with conflicting in silico predictions and uninformative conservation. (I) 0600 - Variant is located in the annotated SPRY domain (DECIPHER). (I) 0705 - No comparable missense variants have previous evidence for pathogenicity. (I) 0807 - This variant has no previous evidence of pathogenicity. (I) 0905 - No published segregation evidence has been identified for this variant. (I) 1007 - No published functional evidence has been identified for this variant. (I) 1208 - Inheritance information for this variant is not currently available in this individual. (I) Legend: (SP) - Supporting pathogenic, (I) - Information, (SB) - Supporting benign